The following is an entry in ClinVar:

NM_006009.4(TUBA1A):c.1337AAG[1] (p.Glu447del)

Gene: TUBA1A (tubulin alpha 1a; minus strand). Cytogenetic location: 12q13.12.
Variant type: Microsatellite.
Coding change: c.1337AAG[1] on transcript NM_006009.4 (MANE Select); one copy of the 3-base unit AAG starting at c.1337; the reference has two copies in a row; one copy, 3 bases deleted.
Protein change: p.Glu447del; deletes glutamic acid 447.
Genome position (GRCh38, 1-based): chr12:49,185,024-49,185,026, CTT deleted on the plus strand (AAG on the coding strand, the reverse complement: TUBA1A is on the minus strand); deleting any 3 consecutive bases within chr12:49,185,024-49,185,030 gives the same sequence; the position shown is the placement nearest the transcript's 3' end. VCF-style (leftmost placement, unchanged base first): chr12-49185023-CCTT-C. GRCh37 (hg19) VCF-style: chr12-49578806-CCTT-C.
Other names: c.1337AAG[1], p.Glu447del (NM_001270399.2); c.1232AAG[1], p.Glu412del (NM_001270400.2); short protein forms E412del, E447del.
Identifiers: ClinVar variation 3900188 (VCV003900188.1).
Genomic context (GRCh38, chr12:49,185,023, plus strand): 5'-CAGAATAAGCTTCCCTGTAAAAGCAGCACCTTTGTGACGTTTTAACTTTAGTATTCCTCT[CCTT>C]CTTCCTCACCCTCTCCTTCAACAGAATCCACACCAACCTCCTCATAATCCTTCTCAAGGG-3'

ClinVar aggregate classification (germline): Uncertain significance (1 of 4 stars; one submission).

Submission:

GeneDx
Classification: Uncertain significance. Last evaluated: 2024-11-26. Review status: criteria provided, single submitter. Criteria: GeneDx Variant Classification Process June 2021. Collection method: clinical testing. Allele origin: germline. Affected: yes.
Comment: Not observed at significant frequency in large population cohorts (gnomAD); In-frame deletion of 1 amino acid(s) in a non-repeat region; In silico analysis supports a deleterious effect on protein structure/function; Has not been previously published as pathogenic or benign to our knowledge